The following is an entry in ClinVar:

NM_006031.6(PCNT):c.5708G>T (p.Arg1903Leu)

Gene: PCNT (pericentrin; plus strand). Cytogenetic location: 21q22.3.
Variant type: single nucleotide variant.
Coding change: c.5708G>T on transcript NM_006031.6 (MANE Select); coding-DNA position 5708, G replaced by T.
Protein change: p.Arg1903Leu; replaces arginine 1903 with leucine.
Molecular consequence: missense variant.
Genome position (GRCh38, 1-based): chr21:46,411,781, G>T. VCF-style: chr21-46411781-G-T. GRCh37 (hg19) VCF-style: chr21-47831695-G-T.
Other names: c.5354G>T, p.Arg1785Leu (NM_001315529.2); short protein forms R1785L, R1903L.
Identifiers: ClinVar variation 717746 (VCV000717746.12), dbSNP rs776232288, ClinGen allele CA10080070.

ClinVar aggregate classification (germline): Conflicting classifications of pathogenicity. Review status: criteria provided, conflicting classifications (1 of 4 stars). 5 submissions from 5 submitters: Uncertain significance (1); Benign (1); Likely benign (2). 1 of the submissions does not count toward it. Last evaluated 2025-02-16.

Conditions:
Microcephalic osteodysplastic primordial dwarfism type II (MOPD2). Also called: Microcephalic osteodysplastic primordial dwarfism with tooth abnormalities; MOPD II; OSTEODYSPLASTIC PRIMORDIAL DWARFISM, TYPE II. Identifiers: Orphanet 2637, MedGen C0432246, MONDO:0008872, OMIM 210720.
PCNT-related disorder. Also called: PCNT-related condition.

Allele frequency attached by ClinVar (database versions not stated): 1000 Genomes Project 30x 0.00016; TOPMed 0.00029; gnomAD 0.00072 and 0.00074; gnomAD exomes 0.00100; ExAC 0.00161.
gnomAD v4.1: 1,197 of 1,602,752 alleles (0.075%); highest among the groups gnomAD compares: Non-Finnish European, 0.069%; 3 homozygotes.

Submissions (5):

Laboratory of Genetics, Children's Clinical University Hospital Latvia
Classification: Benign. Last evaluated: 2025-02-16. Review status: criteria provided, single submitter. Criteria: ACMG Guidelines, 2015. Collection method: clinical testing. Allele origin: germline. Affected: yes.

Blueprint Genetics
Classification: Likely benign. Last evaluated: 2024-10-23. Review status: criteria provided, single submitter. Criteria: ACMG Guidelines, 2015. Collection method: clinical testing. Allele origin: germline.

Labcorp Genetics (formerly Invitae), Labcorp
Classification: Likely benign. Last evaluated: 2019-12-31. Review status: criteria provided, single submitter. Criteria: Invitae Variant Classification Sherloc (09022015). Collection method: clinical testing. Allele origin: germline.

Illumina Laboratory Services, Illumina
Classification: Uncertain significance for Microcephalic osteodysplastic primordial dwarfism type II. Last evaluated: 2018-01-12. Review status: criteria provided, single submitter. Criteria: ICSL Variant Classification Criteria 13 December 2019. Collection method: clinical testing. Allele origin: germline.

PreventionGenetics, part of Exact Sciences
Classification: Likely benign for PCNT-related condition. Last evaluated: 2020-08-25. Review status: no assertion criteria provided. Collection method: clinical testing. Allele origin: germline. Not counted in ClinVar's aggregate classification.
Comment: This variant is classified as likely benign based on ACMG/AMP sequence variant interpretation guidelines (Richards et al. 2015 PMID: 25741868, with internal and published modifications).